The following is an entry in ClinVar:

NM_000548.5(TSC2):c.2784C>G (p.Pro928=)

Gene: TSC2 (TSC complex subunit 2; plus strand). Cytogenetic location: 16p13.3.
Variant type: single nucleotide variant.
Coding change: c.2784C>G on transcript NM_000548.5 (MANE Select); coding-DNA position 2784, C replaced by G.
Protein change: p.Pro928=; no amino-acid change (proline 928 retained).
Molecular consequence: synonymous variant.
Genome position (GRCh38, 1-based): chr16:2,076,532, C>G. VCF-style: chr16-2076532-C-G. GRCh37 (hg19) VCF-style: chr16-2126533-C-G.
Other names: c.2784C>G, p.Pro928= (NM_001077183.3, NM_001114382.3, NM_001363528.2 and 3 more transcripts); c.2673C>G, p.Pro891= (NM_001318827.2); c.2637C>G, p.Pro879= (NM_001318829.2); c.2184C>G, p.Pro728= (NM_001318831.2); c.2817C>G, p.Pro939= (NM_001318832.2).
Identifiers: ClinVar variation 49231 (VCV000049231.21), dbSNP rs45517267, ClinGen allele CA018170.

ClinVar aggregate classification (germline): Benign/Likely benign. Review status: criteria provided, multiple submitters, no conflicts (2 of 4 stars). 9 submissions from 9 submitters: Benign (2); Likely benign (6). 1 of the submissions does not count toward it. Last evaluated 2025-10-15.

Conditions:
Hereditary cancer-predisposing syndrome. Also called: Neoplastic Syndromes, Hereditary; Tumor predisposition; Hereditary Cancer Syndrome; Hereditary neoplastic syndrome. Identifiers: Orphanet 140162, MedGen C0027672, MeSH D009386, MONDO:0015356.
Tuberous sclerosis 2 (TSC2). Identifiers: Orphanet 805, MedGen C1860707, MONDO:0013199, OMIM 613254.
Tuberous sclerosis syndrome (TSC). Also called: Tuberous Sclerosis Complex; Tuberous sclerosis. Identifiers: Orphanet 805, MedGen C0041341, MONDO:0001734.

Allele frequency attached by ClinVar (database versions not stated): TOPMed 0.00002.
gnomAD v4.1: 15 of 1,613,408 alleles (0.00093%); highest among the groups gnomAD compares: Admixed American, 0.0033%; no homozygotes.

Submissions (9):

Labcorp Genetics (formerly Invitae), Labcorp
Classification: Likely benign for Tuberous sclerosis 2. Last evaluated: 2025-10-15. Review status: criteria provided, single submitter. Criteria: Invitae Variant Classification Sherloc (09022015). Collection method: clinical testing. Allele origin: germline.

Myriad Genetics, Inc.
Classification: Benign for Tuberous sclerosis 2. Last evaluated: 2025-05-22. Review status: criteria provided, single submitter. Criteria: Myriad Autosomal Dominant, Autosomal Recessive and X-Linked Classification Criteria (2023). Collection method: clinical testing. Allele origin: unknown.
Comment: This variant is considered benign. This variant is a silent/synonymous amino acid change and it is not expected to impact splicing.

All of Us Research Program, National Institutes of Health
Classification: Likely benign for Tuberous sclerosis syndrome. Last evaluated: 2023-10-02. Review status: criteria provided, single submitter. Criteria: ACMG Guidelines, 2015. Collection method: clinical testing. Allele origin: germline. Inheritance: Autosomal dominant inheritance. Observed: 6 variant alleles, 6 heterozygotes.
Comment: This study involves interpretation of variants in research participants for the purpose of population health screening. Participant phenotype was not available at the time of variant classification. Additional details can be found in publication PMID: 35346344, PMCID: PMC8962531

Color Diagnostics, LLC DBA Color Health
Classification: Likely benign for Tuberous sclerosis syndrome. Last evaluated: 2022-09-28. Review status: criteria provided, single submitter. Criteria: ACMG Guidelines, 2015. Collection method: clinical testing. Allele origin: germline.

Genome-Nilou Lab
Classification: Benign for Tuberous sclerosis 2. Last evaluated: 2021-11-07. Review status: criteria provided, single submitter. Criteria: ACMG Guidelines, 2015. Collection method: clinical testing. Allele origin: germline. Affected: no.

Sema4
Classification: Likely benign for Hereditary cancer-predisposing syndrome. Last evaluated: 2021-04-15. Review status: criteria provided, single submitter. Criteria: Sema4 Curation Guidelines. Collection method: curation. Allele origin: germline.

Ambry Genetics
Classification: Likely benign for Hereditary cancer-predisposing syndrome. Last evaluated: 2018-12-11. Review status: criteria provided, single submitter. Criteria: Ambry Variant Classification Scheme 2023. Collection method: clinical testing. Allele origin: germline.

GeneDx
Classification: Likely benign. Last evaluated: 2018-05-15. Review status: criteria provided, single submitter. Criteria: GeneDx Variant Classification (06012015). Collection method: clinical testing. Allele origin: germline. Affected: yes.
Comment: This variant is considered likely benign or benign based on one or more of the following criteria: it is a conservative change, it occurs at a poorly conserved position in the protein, it is predicted to be benign by multiple in silico algorithms, and/or has population frequency not consistent with disease.

Tuberous sclerosis database (TSC2)
No classification provided. Condition: TSC. Review status: no classification provided. Criteria: Tuberous Sclerosis Database Assertion Criteria 2015. Collection method: curation. Allele origin: germline. Affected: yes. Not counted in ClinVar's aggregate classification.